The following is an entry in ClinVar:

NM_003000.3(SDHB):c.808A>G (p.Met270Val)

Gene: SDHB (succinate dehydrogenase complex iron sulfur subunit B; minus strand). Cytogenetic location: 1p36.13.
Variant type: single nucleotide variant.
Coding change: c.808A>G on transcript NM_003000.3 (MANE Select); coding-DNA position 808, A replaced by G.
Protein change: p.Met270Val; replaces methionine 270 with valine.
Molecular consequence: missense variant.
Genome position (GRCh38, 1-based): chr1:17,018,916, T>C on the plus strand (A>G on the coding strand, the complement: SDHB is on the minus strand). VCF-style: chr1-17018916-T-C. GRCh37 (hg19) VCF-style: chr1-17345411-T-C.
Other names: short protein forms M270V.
Identifiers: ClinVar variation 239445 (VCV000239445.1), dbSNP rs878854584, ClinGen allele CA10581739.

ClinVar aggregate classification (germline): Uncertain significance (1 of 4 stars; one submission).

Conditions:
Gastrointestinal stromal tumor. Also called: Gastrointestinal stromal tumor, somatic; Gastrointestinal stroma tumor. Identifiers: Orphanet 44890, MedGen C0238198, MeSH D046152, MONDO:0011719, OMIM 606764, HP:0100723.
Pheochromocytoma. Also called: MAX-Related Hereditary Paraganglioma-Pheochromocytoma Syndrome. Identifiers: Orphanet 29072, MedGen C0031511, MONDO:0008233, OMIM 171300, HP:0002666.
Pheochromocytoma/paraganglioma syndrome 4. Also called: PARAGANGLIOMA, FAMILIAL MALIGNANT; PARAGANGLIOMAS, HEREDITARY EXTRAADRENAL; PHEOCHROMOCYTOMA, FAMILIAL EXTRAADRENAL; Paragangliomas 4; SDHB-Related Hereditary Paraganglioma-Pheochromocytoma Syndrome (Paragangliomas 4); SDHB-Related Hereditary Paraganglioma-Pheochromocytoma Syndrome. Identifiers: Orphanet 29072, MedGen C1861848, MONDO:0007273, OMIM 115310.

Allele frequency attached by ClinVar (database versions not stated): gnomAD exomes below 0.00001.

Submission:

Labcorp Genetics (formerly Invitae), Labcorp
Classification: Uncertain significance for Gastrointestinal stromal tumor; Pheochromocytoma/paraganglioma syndrome 4; Pheochromocytoma. Last evaluated: 2016-02-24. Review status: criteria provided, single submitter. Criteria: Invitae Variant Classification Sherloc (09022015). Collection method: clinical testing. Allele origin: germline.
Comment: This sequence change replaces methionine with valine at codon 270 of the SDHB protein (p.Met270Val). The methionine residue is moderately conserved and there is a small physicochemical difference between methionine and valine. This variant is not present in population databases (ExAC no frequency) and has not been reported in the literature in individuals with a SDHB-related disease. Algorithms developed to predict the effect of missense changes on protein structure and function do not agree on the potential impact of this missense change (SIFT: "Deleterious"; PolyPhen-2: "Benign"; Align-GVGD: "Class C0"). In summary, this variant is a novel missense change with uncertain impact on protein function. It has been classified as a Variant of Uncertain Significance.